The following is an entry in ClinVar:

NM_001844.5(COL2A1):c.292+258G>A

Gene: COL2A1 (collagen type II alpha 1 chain; minus strand). Cytogenetic location: 12q13.11.
Variant type: single nucleotide variant.
Coding change: c.292+258G>A on transcript NM_001844.5 (MANE Select); 258 bases into the intron after coding-DNA position 292, G replaced by A.
Molecular consequence: intron variant.
Genome position (GRCh38, 1-based): chr12:47,999,661, C>T on the plus strand (G>A on the coding strand, the complement: COL2A1 is on the minus strand). VCF-style: chr12-47999661-C-T. GRCh37 (hg19) VCF-style: chr12-48393444-C-T.
Other names: c.86-1230G>A (NM_033150.3).
Identifiers: ClinVar variation 671012 (VCV000671012.9), dbSNP rs1635532, ClinGen allele CA15731324.

ClinVar aggregate classification (germline): Benign. Review status: criteria provided, multiple submitters, no conflicts (2 of 4 stars). 3 submissions from 3 submitters: Benign (3). Last evaluated 2026-01-26.

Allele frequency attached by ClinVar (database versions not stated): 1000 Genomes Project 30x 0.46877; 1000 Genomes Project 0.47264; TOPMed 0.52243; gnomAD 0.65201 and 0.65577.
gnomAD v4.1: 106,246 of 153,234 alleles (69%); highest among the groups gnomAD compares: Non-Finnish European, 75%; 35,093 homozygotes.

Submissions (3):

Labcorp Genetics (formerly Invitae), Labcorp
Classification: Benign. Last evaluated: 2026-01-26. Review status: criteria provided, single submitter. Criteria: Invitae Variant Classification Sherloc (09022015). Collection method: clinical testing. Allele origin: germline.

GeneDx
Classification: Benign. Last evaluated: 2018-06-18. Review status: criteria provided, single submitter. Criteria: GeneDx Variant Classification (06012015). Collection method: clinical testing. Allele origin: germline. Affected: yes.
Comment: This variant is considered likely benign or benign based on one or more of the following criteria: it is a conservative change, it occurs at a poorly conserved position in the protein, it is predicted to be benign by multiple in silico algorithms, and/or has population frequency not consistent with disease.

Breakthrough Genomics
Classification: Benign. Review status: criteria provided, single submitter. Criteria: ACMG Guidelines, 2015. Collection method: not provided. Allele origin: germline. Inheritance: Autosomal dominant inheritance. Affected: yes.